The following is an entry in ClinVar:

ClinVar aggregate classification (germline): Uncertain significance (1 of 4 stars; one submission).

Submission:

Ambry Genetics
Classification: Uncertain significance. Last evaluated: 2023-02-24. Review status: criteria provided, single submitter. Criteria: Ambry Variant Classification Scheme 2023. Collection method: clinical testing. Allele origin: germline.
Comment: The p.D743N variant (also known as c.2227G>A), located in coding exon 19 of the BUB1 gene, results from a G to A substitution at nucleotide position 2227. The aspartic acid at codon 743 is replaced by asparagine, an amino acid with highly similar properties. This amino acid position is conserved. In addition, this alteration is predicted to be tolerated by in silico analysis. Since supporting evidence is limited at this time, the clinical significance of this alteration remains unclear.

NM_004336.5(BUB1):c.2227G>A (p.Asp743Asn)

Gene: BUB1 (BUB1 mitotic checkpoint serine/threonine kinase; minus strand). Cytogenetic location: 2q13.
Variant type: single nucleotide variant.
Coding change: c.2227G>A on transcript NM_004336.5 (MANE Select); coding-DNA position 2227, G replaced by A.
Protein change: p.Asp743Asn; replaces aspartic acid 743 with asparagine.
Molecular consequence: missense variant.
Genome position (GRCh38, 1-based): chr2:110,649,354, C>T on the plus strand (G>A on the coding strand, the complement: BUB1 is on the minus strand). VCF-style: chr2-110649354-C-T. GRCh37 (hg19) VCF-style: chr2-111406931-C-T.
Other names: c.2167G>A, p.Asp723Asn (NM_001278616.2); c.2227G>A, p.Asp743Asn (NM_001278617.2); short protein forms D723N, D743N.
Identifiers: ClinVar variation 2446972 (VCV002446972.2), dbSNP rs2467987493, ClinGen allele CA348209617.
Genomic context (GRCh38, chr2:110,649,354, plus strand): 5'-TTGGATAGGAACTCACTGGTTTAGAAAGCCCAGATAAAAGTTTGAAAATCAGCTTATCAT[C>T]CCATGGGTTCCCAACAATGAAGTCTTAAAGGAATGAGAAAAAAAAAAAAAAAGGGAACAT-3'
Protein context (NP_004327.1, residues 733-753): APNFIVGNPW[Asp743Asn]DKLIFKLLSG